The following is an entry in ClinVar:

ClinVar aggregate classification (germline): Likely benign (0 of 4 stars; one submission).

Conditions:
PTPRS-related disorder. Also called: PTPRS-related condition.

Allele frequency attached by ClinVar (database versions not stated): TOPMed 0.00002; gnomAD 0.00003; ExAC 0.00012.
gnomAD v4.1: 26 of 1,449,120 alleles (0.0018%); highest among the groups gnomAD compares: Admixed American, 0.013%; no homozygotes.

Submission:

PreventionGenetics, part of Exact Sciences
Classification: Likely benign for PTPRS-related condition. Last evaluated: 2019-06-06. Review status: no assertion criteria provided. Collection method: clinical testing. Allele origin: germline.
Comment: This variant is classified as likely benign based on ACMG/AMP sequence variant interpretation guidelines (Richards et al. 2015 PMID: 25741868, with internal and published modifications).

NM_002850.4(PTPRS):c.2495-4G>A

Gene: PTPRS (protein tyrosine phosphatase receptor type S; minus strand). Cytogenetic location: 19p13.3.
Variant type: single nucleotide variant.
Coding change: c.2495-4G>A on transcript NM_002850.4 (MANE Select); 4 bases into the intron before coding-DNA position 2495, G replaced by A.
Molecular consequence: intron variant.
Genome position (GRCh38, 1-based): chr19:5,223,301, C>T on the plus strand (G>A on the coding strand, the complement: PTPRS is on the minus strand). VCF-style: chr19-5223301-C-T. GRCh37 (hg19) VCF-style: chr19-5223312-C-T.
Other names: c.1811-1081G>A (NM_130853.3); c.2429-4G>A (NM_001394013.1, NM_130854.3, NM_001394011.1); c.2456-4G>A (NM_001394012.1); c.1823-1081G>A (NM_130855.3).
Identifiers: ClinVar variation 3044665 (VCV003044665.2), dbSNP rs747844492, ClinGen allele CA9109925.